The following is an entry in ClinVar:

ClinVar aggregate classification (germline): Uncertain significance (1 of 4 stars; one submission).

gnomAD v4.1: 1 of 1,183,739 alleles (0.000084%); highest among the groups gnomAD compares: Non-Finnish European, 0.00011%; no homozygotes.

Submission:

GeneDx
Classification: Uncertain significance. Last evaluated: 2023-06-14. Review status: criteria provided, single submitter. Criteria: GeneDx Variant Classification Process June 2021. Collection method: clinical testing. Allele origin: germline. Affected: yes.
Comment: Not observed at significant frequency in large population cohorts (gnomAD); In silico analysis supports that this missense variant has a deleterious effect on protein structure/function; Has not been previously published as pathogenic or benign to our knowledge; Variants in candidate genes are classified as variants of uncertain significance in accordance with ACMG guidelines (Richards et al., 2015)

NM_002063.4(GLRA2):c.763G>A (p.Gly255Arg)

Gene: GLRA2 (glycine receptor alpha 2; plus strand). Cytogenetic location: Xp22.2.
Variant type: single nucleotide variant.
Coding change: c.763G>A on transcript NM_002063.4 (MANE Select); coding-DNA position 763, G replaced by A.
Protein change: p.Gly255Arg; replaces glycine 255 with arginine.
Molecular consequence: missense variant.
Genome position (GRCh38, 1-based): chrX:14,609,038, G>A. VCF-style: chrX-14609038-G-A. GRCh37 (hg19) VCF-style: chrX-14627160-G-A.
Other names: c.763G>A, p.Gly255Arg (NM_001118885.2, NM_001118886.2); c.496G>A, p.Gly166Arg (NM_001171942.2); short protein forms G166R, G255R.
Identifiers: ClinVar variation 3766146 (VCV003766146.1).